The following is an entry in ClinVar:

NM_173630.4(RTTN):c.740G>A (p.Arg247His)

Gene: RTTN (rotatin; minus strand). Cytogenetic location: 18q22.2.
Variant type: single nucleotide variant.
Coding change: c.740G>A on transcript NM_173630.4 (MANE Select); coding-DNA position 740, G replaced by A.
Protein change: p.Arg247His; replaces arginine 247 with histidine.
Molecular consequence: missense variant. On other transcripts: 5 prime UTR variant (1).
Genome position (GRCh38, 1-based): chr18:70,196,602, C>T on the plus strand (G>A on the coding strand, the complement: RTTN is on the minus strand). VCF-style: chr18-70196602-C-T. GRCh37 (hg19) VCF-style: chr18-67863838-C-T.
Other names: c.-1814G>A (NM_001318520.2); short protein forms R247H.
Identifiers: ClinVar variation 1477879 (VCV001477879.6), dbSNP rs539725498, ClinGen allele CA8996375.

ClinVar aggregate classification (germline): Uncertain significance (1 of 4 stars; one submission).

Allele frequency attached by ClinVar (database versions not stated): ExAC 0.00003; gnomAD 0.00011; 1000 Genomes Project 0.00040.
gnomAD v4.1: 8 of 1,478,764 alleles (0.00054%); highest among the groups gnomAD compares: South Asian, 0.0058%; no homozygotes.

Submission:

Labcorp Genetics (formerly Invitae), Labcorp
Classification: Uncertain significance. Last evaluated: 2021-09-17. Review status: criteria provided, single submitter. Criteria: Invitae Variant Classification Sherloc (09022015). Collection method: clinical testing. Allele origin: germline.
Comment: This variant has not been reported in the literature in individuals affected with RTTN-related conditions. Algorithms developed to predict the effect of missense changes on protein structure and function output the following: SIFT: "Deleterious"; PolyPhen-2: "Benign"; Align-GVGD: "Class C0". The histidine amino acid residue is found in multiple mammalian species, which suggests that this missense change does not adversely affect protein function. In summary, the available evidence is currently insufficient to determine the role of this variant in disease. Therefore, it has been classified as a Variant of Uncertain Significance. This sequence change replaces arginine with histidine at codon 247 of the RTTN protein (p.Arg247His). The arginine residue is moderately conserved and there is a small physicochemical difference between arginine and histidine. This variant is present in population databases (rs539725498, ExAC 0.02%).